The following is an entry in ClinVar:

NM_004260.4(RECQL4):c.1889A>G (p.Glu630Gly)

Gene: RECQL4 (RecQ like helicase 4; minus strand). Cytogenetic location: 8q24.3.
Variant type: single nucleotide variant.
Coding change: c.1889A>G on transcript NM_004260.4 (MANE Select); coding-DNA position 1889, A replaced by G.
Protein change: p.Glu630Gly; replaces glutamic acid 630 with glycine.
Molecular consequence: missense variant.
Genome position (GRCh38, 1-based): chr8:144,514,097, T>C on the plus strand (A>G on the coding strand, the complement: RECQL4 is on the minus strand). VCF-style: chr8-144514097-T-C. GRCh37 (hg19) VCF-style: chr8-145739481-T-C.
Other names: short protein forms E630G.
Identifiers: ClinVar variation 1051260 (VCV001051260.3), dbSNP rs2130692831, ClinGen allele CA372680544.

ClinVar aggregate classification (germline): Uncertain significance (1 of 4 stars; one submission).

Conditions:
Baller-Gerold syndrome (BGS). Also called: CRANIOSYNOSTOSIS WITH RADIAL DEFECTS. Identifiers: Orphanet 1225, MedGen C0265308, MONDO:0009039, OMIM 218600.

Submission:

Labcorp Genetics (formerly Invitae), Labcorp
Classification: Uncertain significance for Baller-Gerold syndrome. Last evaluated: 2020-07-08. Review status: criteria provided, single submitter. Criteria: Invitae Variant Classification Sherloc (09022015). Collection method: clinical testing. Allele origin: germline.
Comment: This variant is not present in population databases (ExAC no frequency). This variant has not been reported in the literature in individuals with RECQL4-related conditions. Experimental studies and prediction algorithms are not available or were not evaluated, and the functional significance of this variant is currently unknown. In summary, the available evidence is currently insufficient to determine the role of this variant in disease. Therefore, it has been classified as a Variant of Uncertain Significance. This sequence change replaces glutamic acid with glycine at codon 630 of the RECQL4 protein (p.Glu630Gly). The glutamic acid residue is highly conserved and there is a moderate physicochemical difference between glutamic acid and glycine.